The following is an entry in ClinVar:

ClinVar aggregate classification (germline): Uncertain significance (1 of 4 stars; one submission).

Conditions:
Biotin-responsive basal ganglia disease (BTBGD). Also called: Thiamine Transporter-2 Deficiency; THIAMINE METABOLISM DYSFUNCTION SYNDROME 2 (BIOTIN- AND THIAMINE-RESPONSIVE TYPE); Thiamine metabolism dysfunction syndrome 2 (biotin- or thiamine-responsive encephalopathy type 2); thiamine-responsive encephalopathy; Thiamine metabolism dysfunction syndrome type 2. Identifiers: Orphanet 199348, Orphanet 65284, MedGen C1843807, MONDO:0011841, OMIM 607483.

Allele frequency attached by ClinVar (database versions not stated): gnomAD 0.00001; gnomAD exomes 0.00001; TOPMed 0.00001.

Submission:

Labcorp Genetics (formerly Invitae), Labcorp
Classification: Uncertain significance for Biotin-responsive basal ganglia disease. Last evaluated: 2022-07-24. Review status: criteria provided, single submitter. Criteria: Invitae Variant Classification Sherloc (09022015). Collection method: clinical testing. Allele origin: germline.
Comment: This sequence change replaces arginine, which is basic and polar, with cysteine, which is neutral and slightly polar, at codon 78 of the SLC19A3 protein (p.Arg78Cys). This variant is not present in population databases (gnomAD no frequency). This variant has not been reported in the literature in individuals affected with SLC19A3-related conditions. ClinVar contains an entry for this variant (Variation ID: 1051701). Algorithms developed to predict the effect of missense changes on protein structure and function are either unavailable or do not agree on the potential impact of this missense change (SIFT: "Deleterious"; PolyPhen-2: "Benign"; Align-GVGD: "Class C15"). In summary, the available evidence is currently insufficient to determine the role of this variant in disease. Therefore, it has been classified as a Variant of Uncertain Significance.

NM_025243.4(SLC19A3):c.232C>T (p.Arg78Cys)

Gene: SLC19A3 (solute carrier family 19 member 3; minus strand). Cytogenetic location: 2q36.3.
Variant type: single nucleotide variant.
Coding change: c.232C>T on transcript NM_025243.4 (MANE Select); coding-DNA position 232, C replaced by T.
Protein change: p.Arg78Cys; replaces arginine 78 with cysteine.
Molecular consequence: missense variant.
Genome position (GRCh38, 1-based): chr2:227,699,483, G>A on the plus strand (C>T on the coding strand, the complement: SLC19A3 is on the minus strand). VCF-style: chr2-227699483-G-A. GRCh37 (hg19) VCF-style: chr2-228564199-G-A.
Other names: c.232C>T, p.Arg78Cys (NM_001371411.1, NM_001371412.1); c.220C>T, p.Arg74Cys (NM_001371413.1, NM_001371414.1); short protein forms R74C, R78C.
Identifiers: ClinVar variation 1051701 (VCV001051701.6), dbSNP rs1329744665, ClinGen allele CA350877658.